The following is an entry in ClinVar:

NM_000038.6(APC):c.1342C>G (p.Pro448Ala)

Gene: APC (APC regulator of Wnt signaling pathway; plus strand). Cytogenetic location: 5q22.2.
Variant type: single nucleotide variant.
Coding change: c.1342C>G on transcript NM_000038.6 (MANE Select); coding-DNA position 1342, C replaced by G.
Protein change: p.Pro448Ala; replaces proline 448 with alanine.
Molecular consequence: missense variant.
Genome position (GRCh38, 1-based): chr5:112,821,925, C>G. VCF-style: chr5-112821925-C-G. GRCh37 (hg19) VCF-style: chr5-112157622-C-G.
Other names: c.1342C>G, p.Pro448Ala (NM_001127510.3, NM_001354895.2, NM_001354896.2); c.1288C>G, p.Pro430Ala (NM_001127511.3); c.1372C>G, p.Pro458Ala (NM_001354897.2); c.1267C>G, p.Pro423Ala (NM_001354898.2); c.1258C>G, p.Pro420Ala (NM_001354899.2); c.1165C>G, p.Pro389Ala (NM_001354900.2, NM_001354901.2); c.1069C>G, p.Pro357Ala (NM_001354902.2); c.1039C>G, p.Pro347Ala (NM_001354903.2); and 3 more; short protein forms P430A, P448A, P288A, P420A, P322A, P347A, P357A, P423A.
Identifiers: ClinVar variation 234001 (VCV000234001.28), dbSNP rs374195067, ClinGen allele CA027206.
Genomic context (GRCh38, chr5:112,821,925, plus strand): 5'-CATTATGGTTTATGTTGATTTTATTTTTCAGTGCCAGCTCCTGTTGAACATCAGATCTGT[C>G]CTGCTGTGTGTGTTCTAATGAAACTTTCATTTGATGAAGAGCATAGACATGCAATGAATG-3'
Protein context (NP_000029.2, residues 438-458): MPAPVEHQIC[Pro448Ala]AVCVLMKLSF

ClinVar aggregate classification (germline): Conflicting classifications of pathogenicity. Review status: criteria provided, conflicting classifications (1 of 4 stars). 7 submissions from 7 submitters: Uncertain significance (6); Likely benign (1). Last evaluated 2025-06-22.

Conditions:
Classic or attenuated familial adenomatous polyposis. Identifiers: MedGen CN372698, MONDO:0021057.
Familial adenomatous polyposis 1 (FAP1). Also called: FAMILIAL ADENOMATOUS POLYPOSIS 1, ATTENUATED; POLYPOSIS, ADENOMATOUS INTESTINAL. Identifiers: MedGen C2713442, MONDO:0021056, OMIM 175100. Disease mechanism: loss of function.
APC-related disorder. Also called: APC-related condition.
Hereditary cancer-predisposing syndrome. Also called: Neoplastic Syndromes, Hereditary; Tumor predisposition; Hereditary Cancer Syndrome; Hereditary neoplastic syndrome. Identifiers: Orphanet 140162, MedGen C0027672, MeSH D009386, MONDO:0015356.

Allele frequency attached by ClinVar (database versions not stated): ExAC 0.00001; gnomAD 0.00001; gnomAD exomes 0.00001; TOPMed 0.00001; ESP Exome Variant Server 0.00008.
gnomAD v4.1: 4 of 1,612,982 alleles (0.00025%); highest among the groups gnomAD compares: African/African-American, 0.004%; no homozygotes.

Submissions (7):

Labcorp Genetics (formerly Invitae), Labcorp
Classification: Uncertain significance for Familial adenomatous polyposis 1. Last evaluated: 2025-06-22. Review status: criteria provided, single submitter. Criteria: Invitae Variant Classification Sherloc (09022015). Collection method: clinical testing. Allele origin: germline.
Comment: This sequence change replaces proline, which is neutral and non-polar, with alanine, which is neutral and non-polar, at codon 448 of the APC protein (p.Pro448Ala). This variant is present in population databases (rs374195067, gnomAD 0.02%). This variant has not been reported in the literature in individuals affected with APC-related conditions. ClinVar contains an entry for this variant (Variation ID: 234001). Invitae Evidence Modeling of protein sequence and biophysical properties (such as structural, functional, and spatial information, amino acid conservation, physicochemical variation, residue mobility, and thermodynamic stability) indicates that this missense variant is not expected to disrupt APC protein function with a negative predictive value of 95%. In summary, the available evidence is currently insufficient to determine the role of this variant in disease. Therefore, it has been classified as a Variant of Uncertain Significance.

All of Us Research Program, National Institutes of Health
Classification: Uncertain significance for Classic or attenuated familial adenomatous polyposis. Last evaluated: 2023-08-28. Review status: criteria provided, single submitter. Criteria: ACMG Guidelines, 2015. Collection method: clinical testing. Allele origin: germline. Inheritance: Autosomal dominant inheritance. Observed: 2 variant alleles, 2 heterozygotes.
Comment: This missense variant replaces proline with alanine at codon 448 of the APC protein. Computational prediction suggests that this variant may not impact protein structure and function (internally defined REVEL score threshold <= 0.5, PMID: 27666373). To our knowledge, functional studies have not been reported for this variant. This variant has not been reported in individuals affected with APC-related disorders in the literature. This variant has been identified in 3/250666 chromosomes in the general population by the Genome Aggregation Database (gnomAD). The available evidence is insufficient to determine the role of this variant in disease conclusively. Therefore, this variant is classified as a Variant of Uncertain Significance.

This study involves interpretation of variants in research participants for the purpose of population health screening. Participant phenotype was not available at the time of variant classification. Additional details can be found in publication PMID: 35346344, PMCID: PMC8962531

PreventionGenetics, part of Exact Sciences
Classification: Uncertain significance for APC-related condition. Last evaluated: 2023-06-08. Review status: criteria provided, single submitter. Criteria: ACMG Guidelines, 2015. Collection method: clinical testing. Allele origin: germline.
Comment: The APC c.1342C>G variant is predicted to result in the amino acid substitution p.Pro448Ala. To our knowledge, this variant has not been reported in the literature. This variant is reported in 0.018% of alleles in individuals of African descent in gnomAD, and it has been interpreted as a variant of uncertain significance in the ClinVar database. At this time, the clinical significance of this variant is uncertain due to the absence of conclusive functional and genetic evidence.

Baylor Genetics
Classification: Uncertain significance for Familial adenomatous polyposis 1. Last evaluated: 2023-05-28. Review status: criteria provided, single submitter. Criteria: ACMG Guidelines, 2015. Collection method: clinical testing. Allele origin: unknown.

Color Diagnostics, LLC DBA Color Health
Classification: Uncertain significance for Hereditary cancer-predisposing syndrome. Last evaluated: 2023-04-18. Review status: criteria provided, single submitter. Criteria: ACMG Guidelines, 2015. Collection method: clinical testing. Allele origin: germline.
Comment: This missense variant replaces proline with alanine at codon 448 of the APC protein. Computational prediction suggests that this variant may not impact protein structure and function (internally defined REVEL score threshold <= 0.5, PMID: 27666373). To our knowledge, functional studies have not been reported for this variant. This variant has not been reported in individuals affected with APC-related disorders in the literature. This variant has been identified in 3/250666 chromosomes in the general population by the Genome Aggregation Database (gnomAD). The available evidence is insufficient to determine the role of this variant in disease conclusively. Therefore, this variant is classified as a Variant of Uncertain Significance.

Ambry Genetics
Classification: Likely benign for Hereditary cancer-predisposing syndrome. Last evaluated: 2021-11-09. Review status: criteria provided, single submitter. Criteria: Ambry Variant Classification Scheme 2023. Collection method: clinical testing. Allele origin: germline.

GeneDx
Classification: Uncertain significance. Last evaluated: 2020-07-13. Review status: criteria provided, single submitter. Criteria: GeneDx Variant Classification Process June 2021. Collection method: clinical testing. Allele origin: germline. Affected: yes.
Comment: In silico analysis supports that this missense variant has a deleterious effect on protein structure/function; Has not been previously published as pathogenic or benign to our knowledge